The following is an entry in ClinVar:

ClinVar aggregate classification (germline): Uncertain significance (1 of 4 stars; one submission).

Conditions:
Hereditary cancer-predisposing syndrome. Also called: Hereditary Cancer Syndrome; Neoplastic Syndromes, Hereditary; Tumor predisposition; Hereditary neoplastic syndrome. Identifiers: Orphanet 140162, MedGen C0027672, MeSH D009386, MONDO:0015356.
Cardiovascular phenotype. Identifiers: MedGen CN230736.

Allele frequency attached by ClinVar (database versions not stated): gnomAD exomes below 0.00001.
gnomAD v4.1: 1 of 1,614,132 alleles (0.000062%); highest among the groups gnomAD compares: Non-Finnish European, 0.000085%; no homozygotes.

Submission:

Ambry Genetics
Classification: Uncertain significance for Cardiovascular phenotype; Hereditary cancer-predisposing syndrome. Last evaluated: 2017-05-10. Review status: criteria provided, single submitter. Criteria: Ambry Variant Classification Scheme 2023. Collection method: clinical testing. Allele origin: germline.
Comment: The p.L2757R variant (also known as c.8270T>G), located in coding exon 56 of the NF1 gene, results from a T to G substitution at nucleotide position 8270. The leucine at codon 2757 is replaced by arginine, an amino acid with dissimilar properties. This amino acid position is highly conserved in available vertebrate species. In addition, the in silico prediction for this alteration is inconclusive. Since supporting evidence is limited at this time, the clinical significance of this alteration remains unclear.

NM_001042492.3(NF1):c.8333T>G (p.Leu2778Arg)

Gene: NF1 (neurofibromin 1; plus strand). Cytogenetic location: 17q11.2.
Variant type: single nucleotide variant.
Coding change: c.8333T>G on transcript NM_001042492.3 (MANE Select); coding-DNA position 8333, T replaced by G.
Protein change: p.Leu2778Arg; replaces leucine 2778 with arginine.
Molecular consequence: missense variant.
Genome position (GRCh38, 1-based): chr17:31,360,659, T>G. VCF-style: chr17-31360659-T-G. GRCh37 (hg19) VCF-style: chr17-29687677-T-G.
Other names: c.8270T>G, p.Leu2757Arg (NM_000267.4); short protein forms L2778R, L2757R.
Identifiers: ClinVar variation 480210 (VCV000480210.5), dbSNP rs1555537253, ClinGen allele CA399205001.